The following is an entry in ClinVar:

NM_017514.5(PLXNA3):c.627C>A (p.Ile209=)

Gene: PLXNA3 (plexin A3; plus strand). Cytogenetic location: Xq28.
Variant type: single nucleotide variant.
Coding change: c.627C>A on transcript NM_017514.5 (MANE Select); coding-DNA position 627, C replaced by A.
Protein change: p.Ile209=; no amino-acid change (isoleucine 209 retained).
Molecular consequence: synonymous variant.
Genome position (GRCh38, 1-based): chrX:154,461,131, C>A. VCF-style: chrX-154461131-C-A. GRCh37 (hg19) VCF-style: chrX-153689471-C-A.
Identifiers: ClinVar variation 3031341 (VCV003031341.2), dbSNP rs782767005, ClinGen allele CA10563769.

ClinVar aggregate classification (germline): Likely benign (0 of 4 stars; one submission).

Conditions:
PLXNA3-related disorder. Also called: PLXNA3-related condition.

Allele frequency attached by ClinVar (database versions not stated): ExAC 0.00004.
gnomAD v4.1: 18 of 1,204,739 alleles (0.0015%); highest among the groups gnomAD compares: Non-Finnish European, 0.0019%; no homozygotes.

Submission:

PreventionGenetics, part of Exact Sciences
Classification: Likely benign for PLXNA3-related condition. Last evaluated: 2022-03-16. Review status: no assertion criteria provided. Collection method: clinical testing. Allele origin: germline.
Comment: This variant is classified as likely benign based on ACMG/AMP sequence variant interpretation guidelines (Richards et al. 2015 PMID: 25741868, with internal and published modifications).